The following is an entry in ClinVar:

ClinVar aggregate classification (germline): Uncertain significance. Review status: criteria provided, multiple submitters, no conflicts (2 of 4 stars). 2 submissions from 2 submitters: Uncertain significance (2). Last evaluated 2026-08-31.

Conditions:
Inborn genetic diseases. Identifiers: MedGen C0950123, MeSH D030342.
Early-infantile DEE. Also called: Ohtahara syndrome; Early infantile epileptic encephalopathy with suppression bursts; Early infantile epileptic encephalopathy. Identifiers: Orphanet 1934, MedGen C0393706, MONDO:0800491.

Submissions (2):

Ambry Genetics
Classification: Uncertain significance for Inborn genetic diseases. Last evaluated: 2026-08-31. Review status: criteria provided, single submitter. Criteria: Ambry Variant Classification Scheme 2023. Collection method: clinical testing. Allele origin: germline.

Labcorp Genetics (formerly Invitae), Labcorp
Classification: Uncertain significance for Early-infantile DEE. Last evaluated: 2024-03-18. Review status: criteria provided, single submitter. Criteria: Invitae Variant Classification Sherloc (09022015). Collection method: clinical testing. Allele origin: germline.
Comment: This sequence change replaces arginine, which is basic and polar, with leucine, which is neutral and non-polar, at codon 1213 of the SCN1A protein (p.Arg1213Leu). This variant is not present in population databases (gnomAD no frequency). This variant has not been reported in the literature in individuals affected with SCN1A-related conditions. Advanced modeling of protein sequence and biophysical properties (such as structural, functional, and spatial information, amino acid conservation, physicochemical variation, residue mobility, and thermodynamic stability) performed at Invitae indicates that this missense variant is not expected to disrupt SCN1A protein function with a negative predictive value of 95%. Algorithms developed to predict the effect of sequence changes on RNA splicing suggest that this variant may disrupt the consensus splice site. In summary, the available evidence is currently insufficient to determine the role of this variant in disease. Therefore, it has been classified as a Variant of Uncertain Significance.

NM_001165963.4(SCN1A):c.3638G>T (p.Arg1213Leu)

Genes: SCN1A (sodium voltage-gated channel alpha subunit 1; minus strand), LOC102724058 (uncharacterized LOC102724058; plus strand). Cytogenetic location: 2q24.3.
Variant type: single nucleotide variant.
Coding change: c.3638G>T on transcript NM_001165963.4 (MANE Select); coding-DNA position 3638, G replaced by T.
Protein change: p.Arg1213Leu; replaces arginine 1213 with leucine.
Molecular consequence: missense variant. On other transcripts: non-coding transcript variant (1).
Genome position (GRCh38, 1-based): chr2:166,013,811, C>A on the plus strand (G>T on the coding strand, the complement: SCN1A is on the minus strand). VCF-style: chr2-166013811-C-A. GRCh37 (hg19) VCF-style: chr2-166870321-C-A.
Other names: c.3605G>T, p.Arg1202Leu (NM_001353950.2, NM_001353951.2, NM_001353952.2 and 2 more transcripts); c.3602G>T, p.Arg1201Leu (NM_001353954.2, NM_001353955.2); c.3554G>T, p.Arg1185Leu (NM_001353957.2, NM_001353958.2, NM_001165964.3); c.3551G>T, p.Arg1184Leu (NM_001353960.2); c.1196G>T, p.Arg399Leu (NM_001353961.2); c.3638G>T, p.Arg1213Leu (NM_001202435.3, NM_001353948.2); c.3638G>T (NM_001165963.1); short protein forms R1213L, R1185L, R1201L, R1202L, R1184L, R399L.
Identifiers: ClinVar variation 3716670 (VCV003716670.3).